The following is an entry in ClinVar:

NM_024301.5(FKRP):c.556C>G (p.Pro186Ala)

Gene: FKRP (fukutin related protein; plus strand). Cytogenetic location: 19q13.32.
Variant type: single nucleotide variant.
Coding change: c.556C>G on transcript NM_024301.5 (MANE Select); coding-DNA position 556, C replaced by G.
Protein change: p.Pro186Ala; replaces proline 186 with alanine.
Molecular consequence: missense variant.
Genome position (GRCh38, 1-based): chr19:46,756,006, C>G. VCF-style: chr19-46756006-C-G. GRCh37 (hg19) VCF-style: chr19-47259263-C-G.
Other names: c.556C>G, p.Pro186Ala (NM_001039885.3); short protein forms P186A.
Identifiers: ClinVar variation 1748351 (VCV001748351.2), dbSNP rs778558741, ClinGen allele CA9532165.

ClinVar aggregate classification (germline): Uncertain significance (1 of 4 stars; one submission).

Conditions:
Cardiovascular phenotype. Identifiers: MedGen CN230736.

Allele frequency attached by ClinVar (database versions not stated): gnomAD exomes below 0.00001; ExAC 0.00005.
gnomAD v4.1: 6 of 1,559,344 alleles (0.00038%); highest among the groups gnomAD compares: Non-Finnish European, 0.00052%; no homozygotes.

Submission:

Ambry Genetics
Classification: Uncertain significance for Cardiovascular phenotype. Last evaluated: 2020-07-07. Review status: criteria provided, single submitter. Criteria: Ambry Variant Classification Scheme 2023. Collection method: clinical testing. Allele origin: germline.
Comment: The p.P186A variant (also known as c.556C>G), located in coding exon 1 of the FKRP gene, results from a C to G substitution at nucleotide position 556. The proline at codon 186 is replaced by alanine, an amino acid with highly similar properties. This amino acid position is not well conserved in available vertebrate species, and alanine is the reference amino acid in other vertebrate species. In addition, this alteration is predicted to be tolerated by in silico analysis. Since supporting evidence is limited at this time, the clinical significance of this alteration remains unclear.